The following is an entry in ClinVar:

ClinVar aggregate classification (germline): Uncertain significance (1 of 4 stars; one submission).

Allele frequency attached by ClinVar (database versions not stated): gnomAD exomes below 0.00001.
gnomAD v4.1: 3 of 1,614,230 alleles (0.00019%); highest among the groups gnomAD compares: Non-Finnish European, 0.000085%; no homozygotes.

Submission:

Labcorp Genetics (formerly Invitae), Labcorp
Classification: Uncertain significance. Last evaluated: 2025-10-21. Review status: criteria provided, single submitter. Criteria: Invitae Variant Classification Sherloc (09022015). Collection method: clinical testing. Allele origin: germline.
Comment: This sequence change replaces glycine, which is neutral and non-polar, with glutamic acid, which is acidic and polar, at codon 716 of the ALPK3 protein (p.Gly716Glu). This variant is not present in population databases (gnomAD no frequency). This missense change has been observed in individual(s) with hypertrophic cardiomyopathy (PMID: 32480058). ClinVar contains an entry for this variant (Variation ID: 1523157). Invitae Evidence Modeling of protein sequence and biophysical properties (such as structural, functional, and spatial information, amino acid conservation, physicochemical variation, residue mobility, and thermodynamic stability) indicates that this missense variant is not expected to disrupt ALPK3 protein function with a negative predictive value of 80%. In summary, the available evidence is currently insufficient to determine the role of this variant in disease. Therefore, it has been classified as a Variant of Uncertain Significance.

Literature cited by the submitters: PubMed 32480058.

NM_020778.5(ALPK3):c.1541G>A (p.Gly514Glu)

Genes: ALPK3 (alpha kinase 3; plus strand), LOC111718493 (skeletal muscle cis-regulatory module overlapping ALPK3; plus strand). Cytogenetic location: 15q25.3.
Variant type: single nucleotide variant.
Coding change: c.1541G>A on transcript NM_020778.5 (MANE Select); coding-DNA position 1541, G replaced by A.
Protein change: p.Gly514Glu; replaces glycine 514 with glutamic acid.
Molecular consequence: missense variant.
Genome position (GRCh38, 1-based): chr15:84,840,820, G>A. VCF-style: chr15-84840820-G-A. GRCh37 (hg19) VCF-style: chr15-85384051-G-A.
Other names: short protein forms G514E.
Identifiers: ClinVar variation 1523157 (VCV001523157.8), dbSNP rs2141557380, ClinGen allele CA393375874.